The following is an entry in ClinVar:

NM_001805.4(CEBPE):c.79C>T (p.Pro27Ser)

Gene: CEBPE (CCAAT enhancer binding protein epsilon; minus strand). Cytogenetic location: 14q11.2.
Variant type: single nucleotide variant.
Coding change: c.79C>T on transcript NM_001805.4 (MANE Select); coding-DNA position 79, C replaced by T.
Protein change: p.Pro27Ser; replaces proline 27 with serine.
Molecular consequence: missense variant.
Genome position (GRCh38, 1-based): chr14:23,119,013, G>A on the plus strand (C>T on the coding strand, the complement: CEBPE is on the minus strand). VCF-style: chr14-23119013-G-A. GRCh37 (hg19) VCF-style: chr14-23588222-G-A.
Other names: short protein forms P27S.
Identifiers: ClinVar variation 3907648 (VCV003907648.1).
Genomic context (GRCh38, chr14:23,119,013, plus strand): 5'-CGATGTAGGCGGAGAGGTCAATGGAGGCCTCATGCTCACACATGTCCCCTAGCTCCCCGG[G>A]CCCAGCTCGGCCCCCTGAGAACTCGAGTGGCTGCTGGCCACCCCGGGGCTCACACTCGTA-3'
Protein context (NP_001796.2, residues 17-37): PLEFSGGRAG[Pro27Ser]GELGDMCEHE

ClinVar aggregate classification (germline): Uncertain significance (1 of 4 stars; one submission).

Submission:

Women's Health and Genetics/Laboratory Corporation of America, LabCorp
Classification: Uncertain significance. Last evaluated: 2025-06-19. Review status: criteria provided, single submitter. Criteria: LabCorp Variant Classification Summary - May 2015. Collection method: clinical testing. Allele origin: germline.
Comment: Variant summary: CEBPE c.79C>T (p.Pro27Ser) results in a non-conservative amino acid change in the encoded protein sequence. Algorithms developed to predict the effect of missense changes on protein structure and function are either unavailable or do not agree on the potential impact of this missense change. The variant was absent in 248620 control chromosomes (gnomAD). The available data on variant occurrences in the general population are insufficient to allow any conclusion about variant significance. To our knowledge, no occurrence of c.79C>T in individuals affected with Specific granule deficiency 1 AR and no experimental evidence demonstrating its impact on protein function have been reported. No submitters have cited clinical-significance assessments for this variant to ClinVar. Based on the evidence outlined above, the variant was classified as uncertain significance.